The following is an entry in ClinVar:

ClinVar aggregate classification (germline): Conflicting classifications of pathogenicity. Review status: criteria provided, conflicting classifications (1 of 4 stars). 4 submissions from 4 submitters: Uncertain significance (1); Likely benign (1). 2 of the submissions do not count toward it. Last evaluated 2025-12-31.

Conditions:
PSAT1-related disorder. Also called: PSAT1-related condition; PSAT1-related disorders.
Neu-Laxova syndrome 2. Identifiers: Orphanet 2671, Orphanet 583602, MedGen C4015019, MONDO:0014466, OMIM 616038.
PSAT deficiency. Identifiers: Orphanet 284417, MedGen C1970253, MONDO:0012596, OMIM 610992.

Allele frequency attached by ClinVar (database versions not stated): TOPMed 0.00022; ESP Exome Variant Server 0.00038; gnomAD exomes 0.00049 and 0.00078; gnomAD 0.00055 and 0.00056; ExAC 0.00072.
gnomAD v4.1: 802 of 1,613,022 alleles (0.05%); highest among the groups gnomAD compares: Non-Finnish European, 0.034%; 1 homozygote.

Submissions (4):

Labcorp Genetics (formerly Invitae), Labcorp
Classification: Likely benign for Neu-Laxova syndrome 2. Last evaluated: 2025-12-31. Review status: criteria provided, single submitter. Criteria: Invitae Variant Classification Sherloc (09022015). Collection method: clinical testing. Allele origin: germline.

Illumina Laboratory Services, Illumina
Classification: Uncertain significance for PSAT deficiency. Last evaluated: 2018-01-12. Review status: criteria provided, single submitter. Criteria: ICSL Variant Classification Criteria 13 December 2019. Collection method: clinical testing. Allele origin: germline.

PreventionGenetics, part of Exact Sciences
Classification: Likely benign for PSAT1-related condition. Last evaluated: 2022-10-24. Review status: no assertion criteria provided. Collection method: clinical testing. Allele origin: germline. Not counted in ClinVar's aggregate classification.
Comment: This variant is classified as likely benign based on ACMG/AMP sequence variant interpretation guidelines (Richards et al. 2015 PMID: 25741868, with internal and published modifications).

Dudley Research Group, Pacific Northwest Research Institute
No classification provided. Review status: no classification provided. Collection method: research, in vivo. Allele origin: unknown, not applicable. Functional consequence: function_uncertain_variant. Not counted in ClinVar's aggregate classification.

NM_058179.4(PSAT1):c.445G>A (p.Val149Met)

Gene: PSAT1 (phosphoserine aminotransferase 1; plus strand). Cytogenetic location: 9q21.2.
Variant type: single nucleotide variant.
Coding change: c.445G>A on transcript NM_058179.4 (MANE Select); coding-DNA position 445, G replaced by A.
Protein change: p.Val149Met; replaces valine 149 with methionine.
Molecular consequence: missense variant.
Genome position (GRCh38, 1-based): chr9:78,306,361, G>A. VCF-style: chr9-78306361-G-A. GRCh37 (hg19) VCF-style: chr9-80921277-G-A.
Other names: c.445G>A, p.Val149Met (NM_021154.5); short protein forms V149M.
Identifiers: ClinVar variation 914106 (VCV000914106.16), dbSNP rs142975997, ClinGen allele CA5095628.
Genomic context (GRCh38, chr9:78,306,361, plus strand): 5'-TCTTCTGTGATAGAAATTCCAGATCCAAGCACCTGGAACCTCAACCCAGATGCCTCCTAC[G>A]TGTATTATTGCGCAAATGAGACGGTGCATGGTGTGGAGTTTGACTTTATACCCGATGTCA-3'
Protein context (NP_478059.1, residues 139-159): TWNLNPDASY[Val149Met]YYCANETVHG